The following is an entry in ClinVar:

NM_000257.4(MYH7):c.253G>C (p.Asp85His)

Gene: MYH7 (myosin heavy chain 7; minus strand). Cytogenetic location: 14q11.2.
Variant type: single nucleotide variant.
Coding change: c.253G>C on transcript NM_000257.4 (MANE Select); coding-DNA position 253, G replaced by C.
Protein change: p.Asp85His; replaces aspartic acid 85 with histidine.
Molecular consequence: missense variant.
Genome position (GRCh38, 1-based): chr14:23,433,176, C>G on the plus strand (G>C on the coding strand, the complement: MYH7 is on the minus strand). VCF-style: chr14-23433176-C-G. GRCh37 (hg19) VCF-style: chr14-23902385-C-G.
Other names: short protein forms D85H.
Identifiers: ClinVar variation 1013939 (VCV001013939.8), dbSNP rs770246266, ClinGen allele CA033179.

ClinVar aggregate classification (germline): Uncertain significance (1 of 4 stars; one submission).

Conditions:
Hypertrophic cardiomyopathy. Also called: HYPERTROPHIC MYOCARDIOPATHY. Identifiers: Orphanet 217569, MedGen C0007194, MeSH D002312, MONDO:0005045, HP:0001639.

Allele frequency attached by ClinVar (database versions not stated): ExAC 0.00002.

Submission:

Labcorp Genetics (formerly Invitae), Labcorp
Classification: Uncertain significance for Hypertrophic cardiomyopathy. Last evaluated: 2022-11-01. Review status: criteria provided, single submitter. Criteria: Invitae Variant Classification Sherloc (09022015). Collection method: clinical testing. Allele origin: germline.
Comment: Advanced modeling of protein sequence and biophysical properties (such as structural, functional, and spatial information, amino acid conservation, physicochemical variation, residue mobility, and thermodynamic stability) performed at Invitae indicates that this missense variant is expected to disrupt MYH7 protein function. ClinVar contains an entry for this variant (Variation ID: 1013939). This variant has not been reported in the literature in individuals affected with MYH7-related conditions. This variant is not present in population databases (gnomAD no frequency). This sequence change replaces aspartic acid, which is acidic and polar, with histidine, which is basic and polar, at codon 85 of the MYH7 protein (p.Asp85His). In summary, the available evidence is currently insufficient to determine the role of this variant in disease. Therefore, it has been classified as a Variant of Uncertain Significance.